The following is an entry in ClinVar:

NM_032492.4(JAGN1):c.517T>A (p.Trp173Arg)

Gene: JAGN1 (jagunal vesicle mediated transporter 1; plus strand). Cytogenetic location: 3p25.3.
Variant type: single nucleotide variant.
Coding change: c.517T>A on transcript NM_032492.4 (MANE Select); coding-DNA position 517, T replaced by A.
Protein change: p.Trp173Arg; replaces tryptophan 173 with arginine.
Molecular consequence: missense variant.
Genome position (GRCh38, 1-based): chr3:9,893,342, T>A. VCF-style: chr3-9893342-T-A. GRCh37 (hg19) VCF-style: chr3-9935026-T-A.
Other names: c.355T>A, p.Trp119Arg (NM_001363890.1); short protein forms W119R, W173R.
Identifiers: ClinVar variation 1017842 (VCV001017842.5), dbSNP rs2082575975, ClinGen allele CA351717285.
Genomic context (GRCh38, chr3:9,893,342, plus strand): 5'-GTGTTGGCAGTGCAAGTGCATGCCTGGCAGTTGTACTACAGCAAGAAGCTCCTAGACTCT[T>A]GGTTCACCAGCACACAGGAGAAGAAGCATAAATGAAGCCTCTTTGGGGTGAAGCCTGGAC-3'
Protein context (NP_115881.3, residues 163-183): LYYSKKLLDS[Trp173Arg]FTSTQEKKHK

ClinVar aggregate classification (germline): Uncertain significance (1 of 4 stars; one submission).

Conditions:
Autosomal recessive severe congenital neutropenia due to JAGN1 deficiency. Also called: Severe congenital neutropenia 6, autosomal recessive. Identifiers: Orphanet 423384, MedGen C4014954, MONDO:0014456, OMIM 616022.

Submission:

Labcorp Genetics (formerly Invitae), Labcorp
Classification: Uncertain significance for Autosomal recessive severe congenital neutropenia due to JAGN1 deficiency. Last evaluated: 2020-10-14. Review status: criteria provided, single submitter. Criteria: Invitae Variant Classification Sherloc (09022015). Collection method: clinical testing. Allele origin: germline.
Comment: In summary, the available evidence is currently insufficient to determine the role of this variant in disease. Therefore, it has been classified as a Variant of Uncertain Significance. Algorithms developed to predict the effect of missense changes on protein structure and function are either unavailable or do not agree on the potential impact of this missense change (SIFT: "Tolerated"; PolyPhen-2: "Probably Damaging"; Align-GVGD: "Class C0"). This variant has not been reported in the literature in individuals with JAGN1-related conditions. This variant is not present in population databases (ExAC no frequency). This sequence change replaces tryptophan with arginine at codon 173 of the JAGN1 protein (p.Trp173Arg). The tryptophan residue is highly conserved and there is a moderate physicochemical difference between tryptophan and arginine.